The following is an entry in ClinVar:

NM_003002.4(SDHD):c.69T>G (p.Thr23=)

Gene: SDHD (succinate dehydrogenase complex subunit D; plus strand). Cytogenetic location: 11q23.1.
Variant type: single nucleotide variant.
Coding change: c.69T>G on transcript NM_003002.4 (MANE Select); coding-DNA position 69, T replaced by G.
Protein change: p.Thr23=; no amino-acid change (threonine 23 retained).
Molecular consequence: synonymous variant. On other transcripts: non-coding transcript variant (1), intron variant (1).
Genome position (GRCh38, 1-based): chr11:112,087,873, T>G. VCF-style: chr11-112087873-T-G. GRCh37 (hg19) VCF-style: chr11-111958597-T-G.
Other names: c.69T>G (NM_003002.3, NM_003002.2); c.69T>G, p.Thr23= (NM_001276503.2, NM_001276506.2); c.52+914T>G (NM_001276504.2).
Identifiers: ClinVar variation 1129946 (VCV001129946.13), dbSNP rs1350100098, ClinGen allele CA476789506.
Genomic context (GRCh38, chr11:112,087,873, plus strand): 5'-TAAAGGAGAGGTTCTTATGATCATCCTAATGACTCTTTCCTCAGCTCTGTTGCTTCGAAC[T>G]CCAGTGGTCAGACCTGCTCATATCTCAGCATTTCTTCAGGACCGACCTATCCCAGAATGG-3'
Protein context (NP_002993.1, residues 13-33): ALGGRALLLR[Thr23=]PVVRPAHISA

ClinVar aggregate classification (germline): Benign/Likely benign. Review status: criteria provided, multiple submitters, no conflicts (2 of 4 stars). 4 submissions from 4 submitters: Benign (1); Likely benign (3). Last evaluated 2025-11-26.

Conditions:
Hereditary cancer-predisposing syndrome. Also called: Neoplastic Syndromes, Hereditary; Tumor predisposition; Hereditary Cancer Syndrome; Hereditary neoplastic syndrome. Identifiers: Orphanet 140162, MedGen C0027672, MeSH D009386, MONDO:0015356.
Pheochromocytoma/paraganglioma syndrome 1. Also called: Paragangliomas 1; Glomus tumors familial 1; Paraganglioma - glomus jugulare; PARAGANGLIOMAS, FAMILIAL NONCHROMAFFIN, 1; PGL 1; Paragangliomas familial 1. Identifiers: Orphanet 29072, MedGen C3494181, MONDO:0008192, OMIM 168000.
Carney-Stratakis syndrome. Also called: PARAGANGLIOMA AND GASTROINTESTINAL STROMAL TUMOR. Identifiers: Orphanet 97286, MedGen C1847319, MONDO:0011740, OMIM 606864.
Cowden syndrome 3 (CWS3). Identifiers: Orphanet 201, MedGen CN166604, MONDO:0014045.
Pheochromocytoma. Also called: MAX-Related Hereditary Paraganglioma-Pheochromocytoma Syndrome. Identifiers: Orphanet 29072, MedGen C0031511, MONDO:0008233, OMIM 171300, HP:0002666.
Paragangliomas with sensorineural hearing loss. Identifiers: MedGen C1868633.

Allele frequency attached by ClinVar (database versions not stated): TOPMed below 0.00001.

Submissions (4):

Labcorp Genetics (formerly Invitae), Labcorp
Classification: Likely benign for Carney-Stratakis syndrome; Paragangliomas with sensorineural hearing loss; Pheochromocytoma; Cowden syndrome 3. Last evaluated: 2025-11-26. Review status: criteria provided, single submitter. Criteria: Invitae Variant Classification Sherloc (09022015). Collection method: clinical testing. Allele origin: germline.

Myriad Genetics, Inc.
Classification: Benign for Pheochromocytoma/paraganglioma syndrome 1. Last evaluated: 2025-03-17. Review status: criteria provided, single submitter. Criteria: Myriad Autosomal Dominant, Autosomal Recessive and X-Linked Classification Criteria (2023). Collection method: clinical testing. Allele origin: unknown.
Comment: This variant is considered benign. This variant is a silent/synonymous amino acid change and it is not expected to impact splicing.

Quest Diagnostics Nichols Institute San Juan Capistrano
Classification: Likely benign. Last evaluated: 2025-01-08. Review status: criteria provided, single submitter. Criteria: Quest Diagnostics criteria. Collection method: clinical testing. Allele origin: unknown.

Ambry Genetics
Classification: Likely benign for Hereditary cancer-predisposing syndrome. Last evaluated: 2024-11-23. Review status: criteria provided, single submitter. Criteria: Ambry Variant Classification Scheme 2023. Collection method: clinical testing. Allele origin: germline.